The following is an entry in ClinVar:

NM_001165963.4(SCN1A):c.1130G>T (p.Arg377Leu)

Gene: SCN1A (sodium voltage-gated channel alpha subunit 1; minus strand). Cytogenetic location: 2q24.3.
Variant type: single nucleotide variant.
Coding change: c.1130G>T on transcript NM_001165963.4 (MANE Select); coding-DNA position 1130, G replaced by T.
Protein change: p.Arg377Leu; replaces arginine 377 with leucine.
Molecular consequence: missense variant. On other transcripts: 5 prime UTR variant (1), non-coding transcript variant (1).
Genome position (GRCh38, 1-based): chr2:166,047,667, C>A on the plus strand (G>T on the coding strand, the complement: SCN1A is on the minus strand). VCF-style: chr2-166047667-C-A. GRCh37 (hg19) VCF-style: chr2-166904177-C-A.
Other names: c.1130G>T, p.Arg377Leu (NM_001202435.3, NM_001353948.2, NM_001353949.2 and 10 more transcripts); c.-1296G>T (NM_001353961.2); short protein forms R377L.
Identifiers: ClinVar variation 2577833 (VCV002577833.2), dbSNP rs121917957, ClinGen allele CA349071152.
Genomic context (GRCh38, chr2:166,047,667, plus strand): 5'-TGTGGCTCTTTAGTTCTCACCAGTTGATAAAGATTTTCCCAGAAGTCCTGAGTCATTAGT[C>A]GAAACAAGGACAAAAAAGCCCAACTGAAGGTATCAAAGCTTGTGTAGCCATAATTGGGAT-3'
Protein context (NP_001159435.1, residues 367-387): TFSWAFLSLF[Arg377Leu]LMTQDFWENL

ClinVar aggregate classification (germline): Pathogenic/Likely pathogenic. Review status: criteria provided, multiple submitters, no conflicts (2 of 4 stars). 2 submissions from 2 submitters: Pathogenic (1); Likely pathogenic (1). Last evaluated 2026-01-15.

Conditions:
SCN1A-related disorder. Also called: SCN1A-related conditions; SCN1A-related condition; SCN1A-related disorders.

Submissions (2):

3billion
Classification: Likely pathogenic for SCN1A-related disorder. Last evaluated: 2026-01-15. Review status: criteria provided, single submitter. Criteria: ACMG Guidelines, 2015. Collection method: clinical testing. Allele origin: germline. Affected: yes.
Comment: The variant is not observed in the gnomAD v4.1.0 dataset. Predicted Consequence/Location: The variant is located in a mutational hot spot and/or well-established functional domain in which established pathogenic variants have been reported. In silico tool predictions suggest damaging effect of the variant on gene or gene product [REVEL: 0.97 (>=0.6, sensitivity 0.68 and specificity 0.92); 3Cnet: 1.00 (> 0.75, sensitivity 0.96 and precision 0.92)]. The same nucleotide change resulting in the same amino acid change has been previously reported to be associated with SCN1A-related disorder (ClinVar ID: VCV002577833 /PMID: 18076640).Different missense changes at the same codon (p.Arg377Gln, p.Arg377His, p.Arg377Pro) have been reported as pathogenic/likely pathogenic with strong evidence (ClinVar ID: VCV000068502, VCV001801477, VCV002749176 /PMID: 18413471, 35074891, 38891831 /3billion dataset). Therefore, this variant is classified as Likely pathogenic according to the recommendation of ACMG/AMP guideline.

GeneDx
Classification: Pathogenic. Last evaluated: 2023-08-22. Review status: criteria provided, single submitter. Criteria: GeneDx Variant Classification Process June 2021. Collection method: clinical testing. Allele origin: germline. Affected: yes.
Comment: Not observed in large population cohorts (gnomAD); Missense variants in this gene are often considered pathogenic (HGMD); In silico analysis supports a deleterious effect on splicing; In silico analysis supports that this missense variant has a deleterious effect on protein structure/function; This substitution is predicted to be within the pore forming loop between the S5 and S6 transmembrane segments of the first homologous domain.; This variant is associated with the following publications: (PMID: 18076640, 23884151, 31031587, 23103419)

Literature cited by the submitters: PubMed 18413471 (cited by 3billion); PubMed 18076640 (cited by 3billion).